The following is an entry in ClinVar:

NM_177438.3(DICER1):c.4012G>A (p.Ala1338Thr)

Gene: DICER1 (dicer 1, ribonuclease III; minus strand). Cytogenetic location: 14q32.13.
Variant type: single nucleotide variant.
Coding change: c.4012G>A on transcript NM_177438.3 (MANE Select); coding-DNA position 4012, G replaced by A.
Protein change: p.Ala1338Thr; replaces alanine 1338 with threonine.
Molecular consequence: missense variant. On other transcripts: non-coding transcript variant (6).
Genome position (GRCh38, 1-based): chr14:95,103,384, C>T on the plus strand (G>A on the coding strand, the complement: DICER1 is on the minus strand). VCF-style: chr14-95103384-C-T. GRCh37 (hg19) VCF-style: chr14-95569721-C-T.
Other names: c.4012G>A, p.Ala1338Thr (NM_001195573.1, NM_001271282.3, NM_001291628.2 and 13 more transcripts); c.3730G>A, p.Ala1244Thr (NM_001395686.1); c.3607G>A, p.Ala1203Thr (NM_001395687.1, NM_001395688.1, NM_001395689.1 and 2 more transcripts); c.3445G>A, p.Ala1149Thr (NM_001395691.1); c.2329G>A, p.Ala777Thr (NM_001395697.1); short protein forms A1244T, A777T, A1149T, A1203T, A1338T.
Identifiers: ClinVar variation 1737031 (VCV001737031.5), dbSNP rs2139954274, ClinGen allele CA390872958.

ClinVar aggregate classification (germline): Uncertain significance. Review status: criteria provided, multiple submitters, no conflicts (2 of 4 stars). 2 submissions from 2 submitters: Uncertain significance (2). Last evaluated 2023-10-29.

Conditions:
DICER1-related tumor predisposition. Also called: DICER1 syndrome; DICER1-related pleuropulmonary blastoma cancer predisposition syndrome. Identifiers: Orphanet 284343, MedGen C3839822, MONDO:0100216.
Hereditary cancer-predisposing syndrome. Also called: Neoplastic Syndromes, Hereditary; Tumor predisposition; Hereditary Cancer Syndrome; Hereditary neoplastic syndrome. Identifiers: Orphanet 140162, MedGen C0027672, MeSH D009386, MONDO:0015356.

Submissions (2):

Labcorp Genetics (formerly Invitae), Labcorp
Classification: Uncertain significance for DICER1-related tumor predisposition. Last evaluated: 2023-10-29. Review status: criteria provided, single submitter. Criteria: Invitae Variant Classification Sherloc (09022015). Collection method: clinical testing. Allele origin: germline.
Comment: This sequence change replaces alanine, which is neutral and non-polar, with threonine, which is neutral and polar, at codon 1338 of the DICER1 protein (p.Ala1338Thr). This variant is not present in population databases (gnomAD no frequency). This variant has not been reported in the literature in individuals affected with DICER1-related conditions. ClinVar contains an entry for this variant (Variation ID: 1737031). Advanced modeling of protein sequence and biophysical properties (such as structural, functional, and spatial information, amino acid conservation, physicochemical variation, residue mobility, and thermodynamic stability) performed at Invitae indicates that this missense variant is not expected to disrupt DICER1 protein function with a negative predictive value of 80%. In summary, the available evidence is currently insufficient to determine the role of this variant in disease. Therefore, it has been classified as a Variant of Uncertain Significance.

Ambry Genetics
Classification: Uncertain significance for Hereditary cancer-predisposing syndrome. Last evaluated: 2022-04-29. Review status: criteria provided, single submitter. Criteria: Ambry Variant Classification Scheme 2023. Collection method: clinical testing. Allele origin: germline.
Comment: The p.A1338T variant (also known as c.4012G>A), located in coding exon 20 of the DICER1 gene, results from a G to A substitution at nucleotide position 4012. The alanine at codon 1338 is replaced by threonine, an amino acid with similar properties. This amino acid position is conserved. In addition, the in silico prediction for this alteration is inconclusive. Since supporting evidence is limited at this time, the clinical significance of this alteration remains unclear.